The following is an entry in ClinVar:

NM_001114753.3(ENG):c.-61C>T

Gene: ENG (endoglin; minus strand). Cytogenetic location: 9q34.11.
Variant type: single nucleotide variant.
Coding change: c.-61C>T on transcript NM_001114753.3 (MANE Select); 61 bases upstream of the start codon, C replaced by T.
Molecular consequence: 5 prime UTR variant.
Genome position (GRCh38, 1-based): chr9:127,854,416, G>A on the plus strand (C>T on the coding strand, the complement: ENG is on the minus strand). VCF-style: chr9-127854416-G-A. GRCh37 (hg19) VCF-style: chr9-130616695-G-A.
Other names: c.-61C>T (NM_000118.4, NM_001406715.1).
Identifiers: ClinVar variation 3606403 (VCV003606403.2).

ClinVar aggregate classification (germline): Uncertain significance (1 of 4 stars; one submission).

Conditions:
Hereditary hemorrhagic telangiectasia (HHT). Also called: ORW DISEASE; Osler Weber Rendu syndrome; OSLER-RENDU-WEBER DISEASE; Osler hemorrhagic telangiectasia syndrome. Identifiers: Orphanet 774, MedGen C0039445, MONDO:0019180. Disease mechanism: loss of function.

Submission:

Labcorp Genetics (formerly Invitae), Labcorp
Classification: Uncertain significance for Hereditary hemorrhagic telangiectasia. Last evaluated: 2024-11-11. Review status: criteria provided, single submitter. Criteria: Invitae Variant Classification Sherloc (09022015). Collection method: clinical testing. Allele origin: germline.
Comment: This variant occurs in a non-coding region of the ENG gene. It does not change the encoded amino acid sequence of the ENG protein. This variant is not present in population databases (gnomAD no frequency). This variant has not been reported in the literature in individuals affected with ENG-related conditions. Experimental studies and prediction algorithms are not available or were not evaluated, and the functional significance of this variant is currently unknown. In summary, the available evidence is currently insufficient to determine the role of this variant in disease. Therefore, it has been classified as a Variant of Uncertain Significance.